The following is an entry in ClinVar:

NM_000539.3(RHO):c.187G>A (p.Val63Ile)

Gene: RHO (rhodopsin; plus strand). Cytogenetic location: 3q22.1.
Variant type: single nucleotide variant.
Coding change: c.187G>A on transcript NM_000539.3 (MANE Select); coding-DNA position 187, G replaced by A.
Protein change: p.Val63Ile; replaces valine 63 with isoleucine.
Molecular consequence: missense variant.
Genome position (GRCh38, 1-based): chr3:129,528,920, G>A. VCF-style: chr3-129528920-G-A. GRCh37 (hg19) VCF-style: chr3-129247763-G-A.
Other names: short protein forms V63I.
Identifiers: ClinVar variation 1056038 (VCV001056038.7), dbSNP rs146936681, ClinGen allele CA2607082.

ClinVar aggregate classification (germline): Uncertain significance. Review status: criteria provided, multiple submitters, no conflicts (2 of 4 stars). 2 submissions from 2 submitters: Uncertain significance (2). Last evaluated 2025-03-04.

Allele frequency attached by ClinVar (database versions not stated): ExAC 0.00002; gnomAD exomes 0.00002; TOPMed 0.00002; gnomAD 0.00003 and 0.00004; ESP Exome Variant Server 0.00008; 1000 Genomes Project 30x 0.00016.

Submissions (2):

Labcorp Genetics (formerly Invitae), Labcorp
Classification: Uncertain significance. Last evaluated: 2025-03-04. Review status: criteria provided, single submitter. Criteria: Invitae Variant Classification Sherloc (09022015). Collection method: clinical testing. Allele origin: germline.
Comment: This sequence change replaces valine, which is neutral and non-polar, with isoleucine, which is neutral and non-polar, at codon 63 of the RHO protein (p.Val63Ile). This variant is present in population databases (rs146936681, gnomAD 0.005%). This variant has not been reported in the literature in individuals affected with RHO-related conditions. ClinVar contains an entry for this variant (Variation ID: 1056038). Invitae Evidence Modeling of protein sequence and biophysical properties (such as structural, functional, and spatial information, amino acid conservation, physicochemical variation, residue mobility, and thermodynamic stability) indicates that this missense variant is not expected to disrupt RHO protein function with a negative predictive value of 95%. In summary, the available evidence is currently insufficient to determine the role of this variant in disease. Therefore, it has been classified as a Variant of Uncertain Significance.

Blueprint Genetics
Classification: Uncertain significance. Last evaluated: 2019-11-21. Review status: criteria provided, single submitter. Criteria: ACMG Guidelines, 2015. Collection method: clinical testing. Allele origin: germline.